The following is an entry in ClinVar:

NM_006361.6(HOXB13):c.189C>T (p.Cys63=)

Gene: HOXB13 (homeobox B13; minus strand). Cytogenetic location: 17q21.32.
Variant type: single nucleotide variant.
Coding change: c.189C>T on transcript NM_006361.6 (MANE Select); coding-DNA position 189, C replaced by T.
Protein change: p.Cys63=; no amino-acid change (cysteine 63 retained).
Molecular consequence: synonymous variant.
Genome position (GRCh38, 1-based): chr17:48,728,405, G>A on the plus strand (C>T on the coding strand, the complement: HOXB13 is on the minus strand). VCF-style: chr17-48728405-G-A. GRCh37 (hg19) VCF-style: chr17-46805767-G-A.
Identifiers: ClinVar variation 820264 (VCV000820264.10), dbSNP rs1597934839, ClinGen allele CA500662034.

ClinVar aggregate classification (germline): Benign/Likely benign. Review status: criteria provided, multiple submitters, no conflicts (2 of 4 stars). 3 submissions from 3 submitters: Benign (1); Likely benign (2). Last evaluated 2024-10-29.

Conditions:
Hereditary cancer-predisposing syndrome. Also called: Neoplastic Syndromes, Hereditary; Tumor predisposition; Hereditary Cancer Syndrome; Hereditary neoplastic syndrome. Identifiers: Orphanet 140162, MedGen C0027672, MeSH D009386, MONDO:0015356.
Prostate cancer, hereditary, 9 (HPC9). Identifiers: Orphanet 1331, MedGen C1970250, MONDO:0012597, OMIM 610997.

Allele frequency attached by ClinVar (database versions not stated): gnomAD exomes below 0.00001.

Submissions (3):

Myriad Genetics, Inc.
Classification: Benign for Prostate cancer, hereditary, 9. Last evaluated: 2024-10-29. Review status: criteria provided, single submitter. Criteria: Myriad Autosomal Dominant, Autosomal Recessive and X-Linked Classification Criteria (2023). Collection method: clinical testing. Allele origin: unknown.
Comment: This variant is considered benign. This variant is a silent/synonymous amino acid change and it is not expected to impact splicing.

Labcorp Genetics (formerly Invitae), Labcorp
Classification: Likely benign. Last evaluated: 2024-05-14. Review status: criteria provided, single submitter. Criteria: Invitae Variant Classification Sherloc (09022015). Collection method: clinical testing. Allele origin: germline.

Ambry Genetics
Classification: Likely benign for Hereditary cancer-predisposing syndrome. Last evaluated: 2018-04-23. Review status: criteria provided, single submitter. Criteria: Ambry Variant Classification Scheme 2023. Collection method: clinical testing. Allele origin: germline.